The following is an entry in ClinVar:

ClinVar aggregate classification (germline): Uncertain significance (1 of 4 stars; one submission).

Allele frequency attached by ClinVar (database versions not stated): TOPMed below 0.00001.
gnomAD v4.1: 6 of 1,614,190 alleles (0.00037%); highest among the groups gnomAD compares: South Asian, 0.0011%; no homozygotes.

Submission:

Labcorp Genetics (formerly Invitae), Labcorp
Classification: Uncertain significance. Last evaluated: 2022-03-20. Review status: criteria provided, single submitter. Criteria: Invitae Variant Classification Sherloc (09022015). Collection method: clinical testing. Allele origin: germline.
Comment: This sequence change replaces arginine, which is basic and polar, with cysteine, which is neutral and slightly polar, at codon 1706 of the TRRAP protein (p.Arg1706Cys). This variant has not been reported in the literature in individuals affected with TRRAP-related conditions. This variant is not present in population databases (gnomAD no frequency). Algorithms developed to predict the effect of missense changes on protein structure and function are either unavailable or do not agree on the potential impact of this missense change (SIFT: "Deleterious"; PolyPhen-2: "Probably Damaging"; Align-GVGD: "Class C0"). In summary, the available evidence is currently insufficient to determine the role of this variant in disease. Therefore, it has been classified as a Variant of Uncertain Significance.

NM_001375524.1(TRRAP):c.5191C>T (p.Arg1731Cys)

Genes: TRRAP (transformation/transcription domain associated protein; plus strand), LOC126860121 (MED14-independent group 3 enhancer GRCh37_chr7:98547245-98548444; plus strand). Cytogenetic location: 7q22.1.
Variant type: single nucleotide variant.
Coding change: c.5191C>T on transcript NM_001375524.1 (MANE Select); coding-DNA position 5191, C replaced by T.
Protein change: p.Arg1731Cys; replaces arginine 1731 with cysteine.
Molecular consequence: missense variant.
Genome position (GRCh38, 1-based): chr7:98,950,119, C>T. VCF-style: chr7-98950119-C-T. GRCh37 (hg19) VCF-style: chr7-98547742-C-T.
Other names: c.5170C>T, p.Arg1724Cys (NM_001244580.2); c.5116C>T, p.Arg1706Cys (NM_003496.4); short protein forms R1724C, R1731C, R1706C.
Identifiers: ClinVar variation 1956085 (VCV001956085.5), dbSNP rs1554417886, ClinGen allele CA368316588.